The following is an entry in ClinVar:

NM_021625.5(TRPV4):c.214C>T (p.Gln72Ter)

Gene: TRPV4 (transient receptor potential cation channel subfamily V member 4; minus strand). Cytogenetic location: 12q24.11.
Variant type: single nucleotide variant.
Coding change: c.214C>T on transcript NM_021625.5 (MANE Select); coding-DNA position 214, C replaced by T.
Protein change: p.Gln72Ter; replaces glutamine 72 with a stop codon.
Molecular consequence: nonsense.
Genome position (GRCh38, 1-based): chr12:109,814,583, G>A on the plus strand (C>T on the coding strand, the complement: TRPV4 is on the minus strand). VCF-style: chr12-109814583-G-A. GRCh37 (hg19) VCF-style: chr12-110252388-G-A.
Other names: c.214C>T, p.Gln72Ter (NM_001177428.2, NM_001177433.2, NM_147204.3); c.112C>T, p.Gln38Ter (NM_001177431.2); short protein forms Q38*, Q72*.
Identifiers: ClinVar variation 837879 (VCV000837879.12), dbSNP rs866577166, ClinGen allele CA243478850.

ClinVar aggregate classification (germline): Uncertain significance. Review status: criteria provided, multiple submitters, no conflicts (2 of 4 stars). 5 submissions from 5 submitters: Uncertain significance (5). Last evaluated 2026-01-21.

Conditions:
Charcot-Marie-Tooth disease axonal type 2C (HMSN2C). Also called: Charcot-Marie-Tooth Disease Type 2, TRPV4-Related (CMT2C); CHARCOT-MARIE-TOOTH DISEASE, AXONAL, AUTOSOMAL DOMINANT, TYPE 2C; Charcot-Marie-Tooth Neuropathy Type 2C. Identifiers: Orphanet 99937, MedGen C1853710, MONDO:0011633, OMIM 606071.

Allele frequency attached by ClinVar (database versions not stated): TOPMed 0.00004; gnomAD 0.00001; gnomAD exomes 0.00002.
gnomAD v4.1: 13 of 1,613,994 alleles (0.00081%); highest among the groups gnomAD compares: Admixed American, 0.017%; no homozygotes.

Submissions (5):

Dasa
Classification: Uncertain significance. Last evaluated: 2026-01-21. Review status: criteria provided, single submitter. Criteria: DASA Assertion Criteria. Collection method: clinical testing. Allele origin: germline.
Comment: NM_021625.5(TRPV4):c.214C>T (p.Gln72*) is a nonsense variant in TRPV4 predicted to introduce a premature termination codon and is predicted to result in an absent or altered protein product. This variant is rare in population databases. The currently available literature and clinical evidence are not sufficient to establish a definitive association between this variant and the reported condition. Therefore, this variant is classified as a variant of uncertain significance.

Labcorp Genetics (formerly Invitae), Labcorp
Classification: Uncertain significance for Charcot-Marie-Tooth disease axonal type 2C. Last evaluated: 2024-03-27. Review status: criteria provided, single submitter. Criteria: Invitae Variant Classification Sherloc (09022015). Collection method: clinical testing. Allele origin: germline.
Comment: This sequence change creates a premature translational stop signal (p.Gln72*) in the TRPV4 gene. It is expected to result in an absent or disrupted protein product. However, the current clinical and genetic evidence is not sufficient to establish whether loss-of-function variants in TRPV4 cause disease. This variant is not present in population databases (gnomAD no frequency). This variant has not been reported in the literature in individuals affected with TRPV4-related conditions. ClinVar contains an entry for this variant (Variation ID: 837879). In summary, the available evidence is currently insufficient to determine the role of this variant in disease. Therefore, it has been classified as a Variant of Uncertain Significance.

GeneDx
Classification: Uncertain significance. Last evaluated: 2024-02-15. Review status: criteria provided, single submitter. Criteria: GeneDx Variant Classification Process June 2021. Collection method: clinical testing. Allele origin: germline. Affected: yes.
Comment: Nonsense variant predicted to result in protein truncation or nonsense mediated decay in a gene for which loss-of-function is not a known mechanism of disease; Has not been previously published as pathogenic or benign to our knowledge

Mendelics
Classification: Uncertain significance. Last evaluated: 2022-05-04. Review status: criteria provided, single submitter. Criteria: Mendelics Assertion Criteria 2019. Collection method: clinical testing. Allele origin: germline.

Laboratorio de Genetica e Diagnostico Molecular, Hospital Israelita Albert Einstein
Classification: Uncertain significance. Last evaluated: 2021-08-02. Review status: criteria provided, single submitter. Criteria: ACMG Guidelines, 2015. Collection method: clinical testing. Allele origin: germline. Affected: yes.
Comment: ACMG classification criteria: PM2